The following is an entry in ClinVar:

ClinVar aggregate classification (germline): Uncertain significance (1 of 4 stars; one submission).

Conditions:
Hereditary cancer-predisposing syndrome. Also called: Neoplastic Syndromes, Hereditary; Tumor predisposition; Hereditary neoplastic syndrome; Hereditary Cancer Syndrome. Identifiers: Orphanet 140162, MedGen C0027672, MeSH D009386, MONDO:0015356.

Submission:

Ambry Genetics
Classification: Uncertain significance for Hereditary cancer-predisposing syndrome. Last evaluated: 2023-11-01. Review status: criteria provided, single submitter. Criteria: Ambry Variant Classification Scheme 2023. Collection method: clinical testing. Allele origin: germline.
Comment: The p.T236A variant (also known as c.706A>G), located in coding exon 7 of the CDC73 gene, results from an A to G substitution at nucleotide position 706. The threonine at codon 236 is replaced by alanine, an amino acid with similar properties. This amino acid position is conserved. In addition, the in silico prediction for this alteration is inconclusive. Since supporting evidence is limited at this time, the clinical significance of this alteration remains unclear.

NM_024529.5(CDC73):c.706A>G (p.Thr236Ala)

Gene: CDC73 (cell division cycle 73; plus strand). Cytogenetic location: 1q31.2.
Variant type: single nucleotide variant.
Coding change: c.706A>G on transcript NM_024529.5 (MANE Select); coding-DNA position 706, A replaced by G.
Protein change: p.Thr236Ala; replaces threonine 236 with alanine.
Molecular consequence: missense variant.
Genome position (GRCh38, 1-based): chr1:193,142,043, A>G. VCF-style: chr1-193142043-A-G. GRCh37 (hg19) VCF-style: chr1-193111173-A-G.
Other names: short protein forms T236A.
Identifiers: ClinVar variation 3227884 (VCV003227884.1), dbSNP rs2103126456, ClinGen allele CA343962806.